The following is an entry in ClinVar:

ClinVar aggregate classification (germline): Pathogenic (1 of 4 stars; one submission).

Conditions:
Hereditary insensitivity to pain with anhidrosis (CIPA). Also called: HSAN Type IV; hereditary sensory and autonomic neuropathy type 4; INSENSITIVITY TO PAIN, CONGENITAL, WITH ANHIDROSIS; FAMILIAL DYSAUTONOMIA, TYPE II; NTRK1 Congenital Insensitivity to Pain with Anhidrosis; NEUROPATHY, CONGENITAL SENSORY, WITH ANHIDROSIS. Identifiers: Orphanet 642, MedGen C0020074, MONDO:0009746, OMIM 256800.

Submission:

Labcorp Genetics (formerly Invitae), Labcorp
Classification: Pathogenic for Hereditary insensitivity to pain with anhidrosis. Last evaluated: 2022-01-14. Review status: criteria provided, single submitter. Criteria: Invitae Variant Classification Sherloc (09022015). Collection method: clinical testing. Allele origin: germline.
Comment: For these reasons, this variant has been classified as Pathogenic. Algorithms developed to predict the effect of sequence changes on RNA splicing suggest that this variant may disrupt the consensus splice site. ClinVar contains an entry for this variant (Variation ID: 648715). This variant has not been reported in the literature in individuals affected with NTRK1-related conditions. This variant is not present in population databases (gnomAD no frequency). This sequence change creates a premature translational stop signal (p.Gly192Valfs*5) in the NTRK1 gene. It is expected to result in an absent or disrupted protein product. Loss-of-function variants in NTRK1 are known to be pathogenic (PMID: 10982191).

Literature cited by the submitters: PubMed 10982191.

NC_000001.11:g.156868505del

Gene: NTRK1 (neurotrophic receptor tyrosine kinase 1; plus strand). Cytogenetic location: 1q23.1.
Variant type: Deletion.
Genome position: GRCh38 VCF-style: chr1-156868503-AG-A. GRCh37 (hg19) VCF-style: chr1-156838295-AG-A.
Identifiers: ClinVar variation 648715 (VCV000648715.10), dbSNP rs1571690112, ClinGen allele CA915941471.